The following is an entry in ClinVar:

NM_194255.4(SLC19A1):c.67C>T (p.Arg23Trp)

Gene: SLC19A1 (solute carrier family 19 member 1; minus strand). Cytogenetic location: 21q22.3.
Variant type: single nucleotide variant.
Coding change: c.67C>T on transcript NM_194255.4 (MANE Select); coding-DNA position 67, C replaced by T.
Protein change: p.Arg23Trp; replaces arginine 23 with tryptophan.
Molecular consequence: missense variant. On other transcripts: 5 prime UTR variant (1).
Genome position (GRCh38, 1-based): chr21:45,537,893, G>A on the plus strand (C>T on the coding strand, the complement: SLC19A1 is on the minus strand). VCF-style: chr21-45537893-G-A. GRCh37 (hg19) VCF-style: chr21-46957807-G-A.
Other names: c.67C>T, p.Arg23Trp (NM_001205206.4, NM_001352511.3, NM_001352512.2); c.-292C>T (NM_001352510.2); short protein forms R23W.
Identifiers: ClinVar variation 2161407 (VCV002161407.4), dbSNP rs772742675, ClinGen allele CA10068751.
Genomic context (GRCh38, chr21:45,537,893, plus strand): 5'-GCCGTATCTGCGCCATGAAGCCGTAGAAGCAAAGGTAGCACACGAGGTGCCGCCAGGACC[G>A]GAGCTCGGGGTCAGGCCCAGGTTCCACGGGCACCTGCTTCTCCACCGCTGGGCTGGAGGG-3'
Protein context (NP_919231.1, residues 13-33): PVEPGPDPEL[Arg23Trp]SWRHLVCYLC

ClinVar aggregate classification (germline): Uncertain significance (1 of 4 stars; one submission).

Allele frequency attached by ClinVar (database versions not stated): gnomAD exomes 0.00002; ExAC 0.00003.
gnomAD v4.1: 27 of 1,598,558 alleles (0.0017%); highest among the groups gnomAD compares: South Asian, 0.0034%; no homozygotes.

Submission:

Labcorp Genetics (formerly Invitae), Labcorp
Classification: Uncertain significance. Last evaluated: 2022-03-04. Review status: criteria provided, single submitter. Criteria: Invitae Variant Classification Sherloc (09022015). Collection method: clinical testing. Allele origin: germline.
Comment: In summary, the available evidence is currently insufficient to determine the role of this variant in disease. Therefore, it has been classified as a Variant of Uncertain Significance. Algorithms developed to predict the effect of missense changes on protein structure and function are either unavailable or do not agree on the potential impact of this missense change (SIFT: "Deleterious"; PolyPhen-2: "Probably Damaging"; Align-GVGD: "Class C0"). This variant has not been reported in the literature in individuals affected with SLC19A1-related conditions. The frequency data for this variant in the population databases is considered unreliable, as metrics indicate poor data quality at this position in the gnomAD database. This sequence change replaces arginine, which is basic and polar, with tryptophan, which is neutral and slightly polar, at codon 23 of the SLC19A1 protein (p.Arg23Trp).